The following is an entry in ClinVar:

NM_001204.7(BMPR2):c.1789C>T (p.Arg597Ter)

Gene: BMPR2 (bone morphogenetic protein receptor type 2; plus strand). Cytogenetic location: 2q33.2.
Variant type: single nucleotide variant.
Coding change: c.1789C>T on transcript NM_001204.7 (MANE Select); coding-DNA position 1789, C replaced by T.
Protein change: p.Arg597Ter; replaces arginine 597 with a stop codon.
Molecular consequence: nonsense.
Genome position (GRCh38, 1-based): chr2:202,555,454, C>T. VCF-style: chr2-202555454-C-T. GRCh37 (hg19) VCF-style: chr2-203420177-C-T.
Other names: c.1789C>T, p.R597* (LRG_712t1); short protein forms R597*.
Identifiers: ClinVar variation 265619 (VCV000265619.6), dbSNP rs886039673, ClinGen allele CA10588330.

ClinVar aggregate classification (germline): Pathogenic. Review status: criteria provided, multiple submitters, no conflicts (2 of 4 stars). 5 submissions from 5 submitters: Pathogenic (4). 1 of the submissions does not count toward it. Last evaluated 2024-12-13.

Conditions:
BMPR2-related disorder. Also called: BMPR2-related condition; BMPR2-related disorders.
Pulmonary hypertension, primary, 1 (PPH1). Also called: Pulmonary hypertension, familial primary, 1, with or without HHT. Identifiers: Orphanet 422, MedGen C4552070, MONDO:0024533, OMIM 178600.
Pulmonary venoocclusive disease 1 (PVOD1). Also called: Pulmonary venoocclusive disease 1, autosomal dominant. Identifiers: Orphanet 31837, MedGen C3887658, MONDO:0020713, OMIM 265450.

Allele frequency attached by ClinVar (database versions not stated): gnomAD exomes below 0.00001.
gnomAD v4.1: 3 of 1,614,076 alleles (0.00019%); highest among the groups gnomAD compares: Non-Finnish European, 0.00017%; no homozygotes.

Submissions (5):

Revvity Omics, Revvity
Classification: Pathogenic. Last evaluated: 2024-12-13. Review status: criteria provided, single submitter. Criteria: ACMG Guidelines, 2015. Collection method: clinical testing. Allele origin: germline.

Blueprint Genetics
Classification: Pathogenic for BMPR2-related disorders. Last evaluated: 2022-07-21. Review status: criteria provided, single submitter. Criteria: ACMG Guidelines, 2015. Collection method: clinical testing. Allele origin: de novo. Affected: yes. Observed: 2 variant alleles.

GeneDx
Classification: Pathogenic. Last evaluated: 2016-06-15. Review status: criteria provided, single submitter. Criteria: GeneDx Variant Classification (06012015). Collection method: clinical testing. Allele origin: germline. Affected: yes.
Comment: The R597X pathogenic variant in the BMPR2 gene has been reported previously in an individuals with pulmonary arterial hypertension (Machado et al., 2015). This variant is predicted to cause loss of normal protein function either through protein truncation or nonsense-mediated mRNA decay. The R597X variant was not observed in approximately 6,500 individuals of European and African American ancestry in the NHLBI Exome Sequencing Project, indicating it is not a common benign variant in these populations. We interpret R597X as a pathogenic variant.

Juno Genomics, Hangzhou Juno Genomics, Inc
Classification: Pathogenic for Pulmonary hypertension, primary, 1; Pulmonary venoocclusive disease 1. Review status: criteria provided, single submitter. Criteria: ACMG Guidelines, 2015. Collection method: clinical testing. Allele origin: germline.
Comment: Absent from controls (or at extremely low frequency if recessive) in Genome Aggregation Database.;Null variant in a gene where loss of function (LOF) is a known mechanism of disease.;The prevalence of the variant in affected individuals is significantly increased compared to the prevalence in controls.

Rare Disease Genomics Group, St George's University of London
Classification: Pathogenic for Primary pulmonary hypertension. Review status: no assertion criteria provided. Collection method: literature only. Allele origin: germline. Affected: yes. Not counted in ClinVar's aggregate classification.

Literature cited by the submitters: PubMed 26387786 (cited by Rare Disease Genomics Group, St George's University of London).